The following is an entry in ClinVar:

NM_001942.4(DSG1):c.2514C>T (p.Thr838=)

Genes: DSG1-AS1 (DSG1 antisense RNA 1; minus strand), DSG1 (desmoglein 1; plus strand), LOC126862720 (MED14-independent group 3 enhancer GRCh37_chr18:28933613-28934812; plus strand). Cytogenetic location: 18q12.1.
Variant type: single nucleotide variant.
Coding change: c.2514C>T on transcript NM_001942.4 (MANE Select); coding-DNA position 2514, C replaced by T.
Protein change: p.Thr838=; no amino-acid change (threonine 838 retained).
Molecular consequence: synonymous variant.
Genome position (GRCh38, 1-based): chr18:31,354,710, C>T. VCF-style: chr18-31354710-C-T. GRCh37 (hg19) VCF-style: chr18-28934673-C-T.
Other names: c.2514C>T (NM_001942.3).
Identifiers: ClinVar variation 1146734 (VCV001146734.11), dbSNP rs758293574, ClinGen allele CA8926377.

ClinVar aggregate classification (germline): Likely benign. Review status: criteria provided, single submitter (1 of 4 stars). 2 submissions from 2 submitters: Likely benign (1). 1 of the submissions does not count toward it. Last evaluated 2023-05-07.

Conditions:
DSG1-related disorder. Also called: DSG1-related condition.

Allele frequency attached by ClinVar (database versions not stated): gnomAD 0.00001; TOPMed 0.00001; ExAC 0.00002.
gnomAD v4.1: 39 of 1,613,990 alleles (0.0024%); highest among the groups gnomAD compares: Admixed American, 0.0033%; no homozygotes.

Submissions (2):

Labcorp Genetics (formerly Invitae), Labcorp
Classification: Likely benign. Last evaluated: 2023-05-07. Review status: criteria provided, single submitter. Criteria: Invitae Variant Classification Sherloc (09022015). Collection method: clinical testing. Allele origin: germline.

PreventionGenetics, part of Exact Sciences
Classification: Likely benign for DSG1-related condition. Last evaluated: 2021-04-28. Review status: no assertion criteria provided. Collection method: clinical testing. Allele origin: germline. Not counted in ClinVar's aggregate classification.
Comment: This variant is classified as likely benign based on ACMG/AMP sequence variant interpretation guidelines (Richards et al. 2015 PMID: 25741868, with internal and published modifications).